The following is an entry in ClinVar:

ClinVar aggregate classification (germline): Likely benign (1 of 4 stars; one submission).

Allele frequency attached by ClinVar (database versions not stated): ESP Exome Variant Server 0.00534; TOPMed 0.00635; 1000 Genomes Project 0.00679; 1000 Genomes Project 30x 0.00750.
gnomAD v4.1: 4,703 of 1,613,762 alleles (0.29%); highest among the groups gnomAD compares: Middle Eastern, 1.7%; 42 homozygotes.

Submissions (8):

CeGaT Center for Human Genetics Tuebingen
Classification: Likely benign. Last evaluated: 2023-04-01. Review status: criteria provided, single submitter. Criteria: CeGaT Center For Human Genetics Tuebingen Variant Classification Criteria Version 2. Collection method: clinical testing. Allele origin: germline. Affected: yes. Observed: 2 variant alleles.
Comment: NEURL4: BP4, BS2

Dr. Peter K. Rogan Lab, Western University
No classification provided (evidence only). Condition: Malignant tumor of urinary bladder. Review status: no classification provided. Collection method: in vitro. Allele origin: not applicable. Functional consequence: retained intron. Not counted in ClinVar's aggregate classification.

Dr. Peter K. Rogan Lab, Western University
No classification provided (evidence only). Condition: Thyroid cancer, nonmedullary, 1. Review status: no classification provided. Collection method: in vitro. Allele origin: not applicable. Functional consequence: retained intron. Not counted in ClinVar's aggregate classification.

Dr. Peter K. Rogan Lab, Western University
No classification provided (evidence only). Condition: Sarcoma. Review status: no classification provided. Collection method: in vitro. Allele origin: not applicable. Functional consequence: retained intron. Not counted in ClinVar's aggregate classification.

Dr. Peter K. Rogan Lab, Western University
No classification provided (evidence only). Condition: Hepatocellular carcinoma. Review status: no classification provided. Collection method: in vitro. Allele origin: not applicable. Functional consequence: retained intron. Not counted in ClinVar's aggregate classification.

Dr. Peter K. Rogan Lab, Western University
No classification provided (evidence only). Condition: Hepatocellular carcinoma. Review status: no classification provided. Collection method: in vitro. Allele origin: not applicable. Functional consequence: retained intron. Not counted in ClinVar's aggregate classification.

Dr. Peter K. Rogan Lab, Western University
No classification provided (evidence only). Condition: Uveal melanoma. Review status: no classification provided. Collection method: in vitro. Allele origin: not applicable. Functional consequence: retained intron. Not counted in ClinVar's aggregate classification.

Dr. Peter K. Rogan Lab, Western University
No classification provided (evidence only). Condition: Malignant tumor of esophagus. Review status: no classification provided. Collection method: in vitro. Allele origin: not applicable. Functional consequence: skipped exon. Not counted in ClinVar's aggregate classification.

NM_032442.3(NEURL4):c.3272A>T (p.Glu1091Val)

Gene: NEURL4 (neuralized E3 ubiquitin protein ligase 4; minus strand). Cytogenetic location: 17p13.1.
Variant type: single nucleotide variant.
Coding change: c.3272A>T on transcript NM_032442.3 (MANE Select); coding-DNA position 3272, A replaced by T.
Protein change: p.Glu1091Val; replaces glutamic acid 1091 with valine.
Molecular consequence: missense variant.
Genome position (GRCh38, 1-based): chr17:7,321,200, T>A on the plus strand (A>T on the coding strand, the complement: NEURL4 is on the minus strand). VCF-style: chr17-7321200-T-A. GRCh37 (hg19) VCF-style: chr17-7224519-T-A.
Other names: NC_000017.10:g.7224519T>A; c.3266A>T, p.Glu1089Val (NM_001005408.2); short protein forms E1089V, E1091V.
Identifiers: ClinVar variation 2647329 (VCV002647329.24), dbSNP rs145900596, ClinGen allele CA8342660.